The following is an entry in ClinVar:

NM_000352.6(ABCC8):c.4608+5G>C

Gene: ABCC8 (ATP binding cassette subfamily C member 8; minus strand). Cytogenetic location: 11p15.1.
Variant type: single nucleotide variant.
Coding change: c.4608+5G>C on transcript NM_000352.6 (MANE Select); 5 bases into the intron after coding-DNA position 4608, G replaced by C.
Molecular consequence: intron variant.
Genome position (GRCh38, 1-based): chr11:17,393,692, C>G on the plus strand (G>C on the coding strand, the complement: ABCC8 is on the minus strand). VCF-style: chr11-17393692-C-G. GRCh37 (hg19) VCF-style: chr11-17415239-C-G.
Other names: c.4605+5G>C (NM_001351297.2); c.4608+5G>C (NM_001351296.2); c.4674+5G>C (NM_001351295.2); c.4611+5G>C (NM_001287174.3).
Identifiers: ClinVar variation 3899827 (VCV003899827.1).

ClinVar aggregate classification (germline): Uncertain significance (1 of 4 stars; one submission).

Submission:

GeneDx
Classification: Uncertain significance. Last evaluated: 2024-11-15. Review status: criteria provided, single submitter. Criteria: GeneDx Variant Classification Process June 2021. Collection method: clinical testing. Allele origin: germline. Affected: yes.
Comment: Not observed at significant frequency in large population cohorts (gnomAD); Has not been previously published as pathogenic or benign to our knowledge; In silico analysis is inconclusive as to whether the variant alters gene splicing. In the absence of RNA/functional studies, the actual effect of this sequence change is unknown.